The following is an entry in ClinVar:

ClinVar aggregate classification (germline): Likely benign. Review status: criteria provided, multiple submitters, no conflicts (2 of 4 stars). 4 submissions from 4 submitters: Likely benign (3). 1 of the submissions does not count toward it. Last evaluated 2026-01-24.

Conditions:
MYO15A-related disorder. Also called: MYO15A-related condition.

Allele frequency attached by ClinVar (database versions not stated): gnomAD exomes 0.00007; gnomAD 0.00015 and 0.00016; ExAC 0.00003; TOPMed 0.00025.
gnomAD v4.1: 158 of 1,613,686 alleles (0.0098%); highest among the groups gnomAD compares: Admixed American, 0.04%; no homozygotes.

Submissions (4):

Labcorp Genetics (formerly Invitae), Labcorp
Classification: Likely benign. Last evaluated: 2026-01-24. Review status: criteria provided, single submitter. Criteria: Invitae Variant Classification Sherloc (09022015). Collection method: clinical testing. Allele origin: germline.

GeneDx
Classification: Likely benign. Last evaluated: 2018-08-21. Review status: criteria provided, single submitter. Criteria: GeneDx Variant Classification Process June 2021. Collection method: clinical testing. Allele origin: germline. Affected: yes.

Laboratory for Molecular Medicine, Mass General Brigham Personalized Medicine
Classification: Likely benign. Last evaluated: 2014-12-06. Review status: criteria provided, single submitter. Criteria: LMM Criteria. Collection method: clinical testing. Allele origin: germline. Observed: 2 variant alleles.
Comment: c.4482+10C>T in intron 12 of MYO15A: This variant is not expected to have clinic al significance because a C>T change at this position does not diverge from the splice consensus sequence and is therefore unlikely to impact splicing. It has b een identified in 0.08% (1/1200) of European chromosomes by the ClinSeq project and has been reported in 4/66950 European chromosomes by the Exome Aggregation C onsortium (dbSNP rs200857668).

PreventionGenetics, part of Exact Sciences
Classification: Likely benign for MYO15A-related condition. Last evaluated: 2019-12-09. Review status: no assertion criteria provided. Collection method: clinical testing. Allele origin: germline. Not counted in ClinVar's aggregate classification.
Comment: This variant is classified as likely benign based on ACMG/AMP sequence variant interpretation guidelines (Richards et al. 2015 PMID: 25741868, with internal and published modifications).

NM_016239.4(MYO15A):c.4482+10C>T

Gene: MYO15A (myosin XVA; plus strand). Cytogenetic location: 17p11.2.
Variant type: single nucleotide variant.
Coding change: c.4482+10C>T on transcript NM_016239.4 (MANE Select); 10 bases into the intron after coding-DNA position 4482, C replaced by T.
Molecular consequence: intron variant.
Genome position (GRCh38, 1-based): chr17:18,133,396, C>T. VCF-style: chr17-18133396-C-T. GRCh37 (hg19) VCF-style: chr17-18036710-C-T.
Identifiers: ClinVar variation 180121 (VCV000180121.12), dbSNP rs200857668, ClinGen allele CA185854.